The following is an entry in ClinVar:

ClinVar aggregate classification (germline): Uncertain significance (1 of 4 stars; one submission).

gnomAD v4.1: 1 of 1,613,650 alleles (0.000062%); highest among the groups gnomAD compares: Non-Finnish European, 0.000085%; no homozygotes.

Submission:

GeneDx
Classification: Uncertain significance. Last evaluated: 2023-07-05. Review status: criteria provided, single submitter. Criteria: GeneDx Variant Classification Process June 2021. Collection method: clinical testing. Allele origin: germline. Affected: yes.
Comment: Canonical splice site variant in a gene or region of a gene for which loss of function is not a well-established mechanism of disease; Not observed at significant frequency in large population cohorts (gnomAD); Has not been previously published as pathogenic or benign to our knowledge

NM_001128840.3(CACNA1D):c.5585+1G>A

Gene: CACNA1D (calcium voltage-gated channel subunit alpha1 D; plus strand). Cytogenetic location: 3p21.1.
Variant type: single nucleotide variant.
Coding change: c.5585+1G>A on transcript NM_001128840.3 (MANE Select); the canonical splice donor site of the intron after coding-DNA position 5585, G replaced by A.
Molecular consequence: splice donor variant.
Genome position (GRCh38, 1-based): chr3:53,803,573, G>A. VCF-style: chr3-53803573-G-A. GRCh37 (hg19) VCF-style: chr3-53837600-G-A.
Other names: c.5513+1G>A (NM_001128839.3); c.5645+1G>A (NM_000720.4).
Identifiers: ClinVar variation 3360592 (VCV003360592.1).